The following is an entry in ClinVar:

NM_015466.4(PTPN23):c.483C>A (p.Phe161Leu)

Gene: PTPN23 (protein tyrosine phosphatase non-receptor type 23; plus strand). Cytogenetic location: 3p21.31.
Variant type: single nucleotide variant.
Coding change: c.483C>A on transcript NM_015466.4 (MANE Select); coding-DNA position 483, C replaced by A.
Protein change: p.Phe161Leu; replaces phenylalanine 161 with leucine.
Molecular consequence: missense variant.
Genome position (GRCh38, 1-based): chr3:47,405,983, C>A. VCF-style: chr3-47405983-C-A. GRCh37 (hg19) VCF-style: chr3-47447473-C-A.
Other names: c.105C>A, p.Phe35Leu (NM_001304482.2); short protein forms F161L, F35L.
Identifiers: ClinVar variation 719952 (VCV000719952.38), dbSNP rs138320436, ClinGen allele CA2365346.

ClinVar aggregate classification (germline): Likely benign. Review status: criteria provided, multiple submitters, no conflicts (2 of 4 stars). 4 submissions from 4 submitters: Likely benign (4). Last evaluated 2026-09-01.

Allele frequency attached by ClinVar (database versions not stated): 1000 Genomes Project 30x 0.00109; 1000 Genomes Project 0.00140; TOPMed 0.00264; ExAC 0.00268; gnomAD 0.00272 and 0.00273; gnomAD exomes 0.00285 and 0.00408; ESP Exome Variant Server 0.00323.

Submissions (4):

CeGaT Center for Human Genetics Tuebingen
Classification: Likely benign. Last evaluated: 2026-09-01. Review status: criteria provided, single submitter. Criteria: CeGaT Center For Human Genetics Tuebingen Variant Classification Criteria Version 2. Collection method: clinical testing. Allele origin: germline. Affected: yes. Observed: 12 variant alleles.
Comment: PTPN23: BS2

Labcorp Genetics (formerly Invitae), Labcorp
Classification: Likely benign. Last evaluated: 2026-01-21. Review status: criteria provided, single submitter. Criteria: Invitae Variant Classification Sherloc (09022015). Collection method: clinical testing. Allele origin: germline.

Blueprint Genetics
Classification: Likely benign. Last evaluated: 2024-11-26. Review status: criteria provided, single submitter. Criteria: ACMG Guidelines, 2015. Collection method: clinical testing. Allele origin: germline.

Breakthrough Genomics
Classification: Likely benign. Review status: criteria provided, single submitter. Criteria: ACMG Guidelines, 2015. Collection method: not provided. Allele origin: germline. Inheritance: Autosomal recessive inheritance. Affected: yes.